The following is an entry in ClinVar:

ClinVar aggregate classification (germline): Conflicting classifications of pathogenicity. Review status: criteria provided, conflicting classifications (1 of 4 stars). 7 submissions from 7 submitters: Uncertain significance (1); Benign (1); Likely benign (5). Last evaluated 2025-10-07.

Conditions:
Lynch syndrome. Identifiers: Orphanet 144, MedGen C4552100, MONDO:0005835. Disease mechanism: loss of function.
Hereditary nonpolyposis colorectal neoplasms. Identifiers: MedGen C0009405, MeSH D003123.
Hereditary cancer-predisposing syndrome. Also called: Neoplastic Syndromes, Hereditary; Tumor predisposition; Hereditary Cancer Syndrome; Hereditary neoplastic syndrome. Identifiers: Orphanet 140162, MedGen C0027672, MeSH D009386, MONDO:0015356.
Lynch syndrome 5 (LYNCH5). Also called: Colorectal cancer, hereditary nonpolyposis, type 5; Hereditary non-polyposis colorectal cancer, type 5. Identifiers: Orphanet 144, MedGen C1833477, MONDO:0013710, OMIM 614350. Disease mechanism: loss of function.

Allele frequency attached by ClinVar (database versions not stated): TOPMed 0.00001.
gnomAD v4.1: 3 of 1,614,092 alleles (0.00019%); highest among the groups gnomAD compares: Non-Finnish European, 0.00025%; no homozygotes.

Submissions (7):

Labcorp Genetics (formerly Invitae), Labcorp
Classification: Likely benign for Hereditary nonpolyposis colorectal neoplasms. Last evaluated: 2025-10-07. Review status: criteria provided, single submitter. Criteria: Invitae Variant Classification Sherloc (09022015). Collection method: clinical testing. Allele origin: germline.

Myriad Genetics, Inc.
Classification: Benign for Lynch syndrome 5. Last evaluated: 2024-12-30. Review status: criteria provided, single submitter. Criteria: Myriad Autosomal Dominant, Autosomal Recessive and X-Linked Classification Criteria (2023). Collection method: clinical testing. Allele origin: unknown.
Comment: This variant is considered benign. This variant is a silent/synonymous amino acid change and it is not expected to impact splicing.

All of Us Research Program, National Institutes of Health
Classification: Likely benign for Lynch syndrome. Last evaluated: 2023-08-15. Review status: criteria provided, single submitter. Criteria: ACMG Guidelines, 2015. Collection method: clinical testing. Allele origin: germline. Inheritance: Autosomal dominant inheritance. Observed: 1 variant allele, 1 heterozygote.
Comment: This study involves interpretation of variants in research participants for the purpose of population health screening. Participant phenotype was not available at the time of variant classification. Additional details can be found in publication PMID: 35346344, PMCID: PMC8962531

ARUP Laboratories, Molecular Genetics and Genomics, ARUP Laboratories
Classification: Likely benign. Last evaluated: 2019-05-24. Review status: criteria provided, single submitter. Criteria: ARUP Molecular Germline Variant Investigation Process. Collection method: clinical testing. Allele origin: germline.

University of Washington Department of Laboratory Medicine, University of Washington
Classification: Uncertain significance for Lynch syndrome. Last evaluated: 2018-05-01. Review status: criteria provided, single submitter. Criteria: Shirts BH et al. (Am J Hum Genet 2018). Collection method: clinical testing. Allele origin: somatic. Affected: yes.
Comment: MSH6 NM_000179.2:c.2161A>C has a 7.6% probability of pathogenicity based on combining prior probability from public data with a likelihood ratio of 1.56 to 1, generated from evidence of seeing this as a somatic mutation in a tumor without loss of heterozygosity at the MSH6 locus. See Shirts et al 2018, PMID 29887214.

Ambry Genetics
Classification: Likely benign for Hereditary cancer-predisposing syndrome. Last evaluated: 2016-04-04. Review status: criteria provided, single submitter. Criteria: Ambry Variant Classification Scheme 2023. Collection method: clinical testing. Allele origin: germline.

Color Diagnostics, LLC DBA Color Health
Classification: Likely benign for Hereditary cancer-predisposing syndrome. Last evaluated: 2015-05-18. Review status: criteria provided, single submitter. Criteria: ACMG Guidelines, 2015. Collection method: clinical testing. Allele origin: germline.

NM_000179.3(MSH6):c.2161A>C (p.Arg721=)

Gene: MSH6 (mutS homolog 6; plus strand). Cytogenetic location: 2p16.3.
Variant type: single nucleotide variant.
Coding change: c.2161A>C on transcript NM_000179.3 (MANE Select); coding-DNA position 2161, A replaced by C.
Protein change: p.Arg721=; no amino-acid change (arginine 721 retained).
Molecular consequence: synonymous variant.
Genome position (GRCh38, 1-based): chr2:47,800,144, A>C. VCF-style: chr2-47800144-A-C. GRCh37 (hg19) VCF-style: chr2-48027283-A-C.
Other names: c.1771A>C, p.Arg591= (NM_001281492.2); c.1255A>C, p.Arg419= (NM_001281493.2, NM_001281494.2).
Identifiers: ClinVar variation 483791 (VCV000483791.28), dbSNP rs537604099, ClinGen allele CA426121617.